The following is an entry in ClinVar:

NM_003873.7(NRP1):c.867C>T (p.Asp289=)

Gene: NRP1 (neuropilin 1; minus strand). Cytogenetic location: 10p11.22.
Variant type: single nucleotide variant.
Coding change: c.867C>T on transcript NM_003873.7 (MANE Select); coding-DNA position 867, C replaced by T.
Protein change: p.Asp289=; no amino-acid change (aspartic acid 289 retained).
Molecular consequence: synonymous variant. On other transcripts: non-coding transcript variant (1).
Genome position (GRCh38, 1-based): chr10:33,254,142, G>A on the plus strand (C>T on the coding strand, the complement: NRP1 is on the minus strand). VCF-style: chr10-33254142-G-A. GRCh37 (hg19) VCF-style: chr10-33543070-G-A.
Other names: c.867C>T, p.Asp289= (NM_001024628.3, NM_001024629.3, NM_001244972.2 and 2 more transcripts).
Identifiers: ClinVar variation 3036054 (VCV003036054.2), dbSNP rs764772224, ClinGen allele CA468845798.

ClinVar aggregate classification (germline): Likely benign (0 of 4 stars; one submission).

Conditions:
NRP1-related disorder. Also called: NRP1-related condition.

Allele frequency attached by ClinVar (database versions not stated): gnomAD 0.00001; TOPMed 0.00001.

Submission:

PreventionGenetics, part of Exact Sciences
Classification: Likely benign for NRP1-related condition. Last evaluated: 2023-05-19. Review status: no assertion criteria provided. Collection method: clinical testing. Allele origin: germline.
Comment: This variant is classified as likely benign based on ACMG/AMP sequence variant interpretation guidelines (Richards et al. 2015 PMID: 25741868, with internal and published modifications).